The following is an entry in ClinVar:

NM_016507.4(CDK12):c.665G>T (p.Ser222Ile)

Genes: CDK12 (cyclin dependent kinase 12; plus strand), LOC126862553 (CDK7 strongly-dependent group 2 enhancer GRCh37_chr17:37618166-37619365; plus strand). Cytogenetic location: 17q12.
Variant type: single nucleotide variant.
Coding change: c.665G>T on transcript NM_016507.4 (MANE Select); coding-DNA position 665, G replaced by T.
Protein change: p.Ser222Ile; replaces serine 222 with isoleucine.
Molecular consequence: missense variant.
Genome position (GRCh38, 1-based): chr17:39,462,736, G>T. VCF-style: chr17-39462736-G-T. GRCh37 (hg19) VCF-style: chr17-37618989-G-T.
Other names: c.665G>T, p.Ser222Ile (NM_015083.4); short protein forms S222I.
Identifiers: ClinVar variation 4651357 (VCV004651357.1).

ClinVar aggregate classification (germline): Uncertain significance (1 of 4 stars; one submission).

Submission:

Ambry Genetics
Classification: Uncertain significance. Last evaluated: 2025-10-06. Review status: criteria provided, single submitter. Criteria: Ambry Variant Classification Scheme 2023. Collection method: clinical testing. Allele origin: germline.
Comment: The p.S222I variant (also known as c.665G>T), located in coding exon 1 of the CDK12 gene, results from a G to T substitution at nucleotide position 665. The serine at codon 222 is replaced by isoleucine, an amino acid with dissimilar properties. This amino acid position is conserved. In addition, this alteration is predicted to be tolerated by in silico analysis. Based on the available evidence, the clinical significance of this variant remains unclear.